The following is an entry in ClinVar:

NM_000051.4(ATM):c.7232A>C (p.Glu2411Ala)

Genes: ATM (ATM serine/threonine kinase; plus strand), C11orf65 (chromosome 11 open reading frame 65; minus strand). Cytogenetic location: 11q22.3.
Variant type: single nucleotide variant.
Coding change: c.7232A>C on transcript NM_000051.4 (MANE Select); coding-DNA position 7232, A replaced by C.
Protein change: p.Glu2411Ala; replaces glutamic acid 2411 with alanine.
Molecular consequence: missense variant. On other transcripts: intron variant (2).
Genome position (GRCh38, 1-based): chr11:108,329,163, A>C. VCF-style: chr11-108329163-A-C. GRCh37 (hg19) VCF-style: chr11-108199890-A-C.
Other names: c.7232A>C, p.Glu2411Ala (NM_001351834.2); c.641-20092T>G (NM_001330368.2); c.*38+6057T>G (NM_001351110.2); short protein forms E2411A.
Identifiers: ClinVar variation 1757823 (VCV001757823.2), dbSNP rs2136419286, ClinGen allele CA382559684.

ClinVar aggregate classification (germline): Uncertain significance (1 of 4 stars; one submission).

Conditions:
Hereditary cancer-predisposing syndrome. Also called: Hereditary neoplastic syndrome; Neoplastic Syndromes, Hereditary; Tumor predisposition; Hereditary Cancer Syndrome. Identifiers: Orphanet 140162, MedGen C0027672, MeSH D009386, MONDO:0015356.

Submission:

Ambry Genetics
Classification: Uncertain significance for Hereditary cancer-predisposing syndrome. Last evaluated: 2021-06-08. Review status: criteria provided, single submitter. Criteria: Ambry Variant Classification Scheme 2023. Collection method: clinical testing. Allele origin: germline.
Comment: The p.E2411A variant (also known as c.7232A>C), located in coding exon 48 of the ATM gene, results from an A to C substitution at nucleotide position 7232. The glutamic acid at codon 2411 is replaced by alanine, an amino acid with dissimilar properties. This amino acid position is highly conserved in available vertebrate species. In addition, this alteration is predicted to be deleterious by in silico analysis. Since supporting evidence is limited at this time, the clinical significance of this alteration remains unclear.